The following is an entry in ClinVar:

NM_001353345.2(SETD1B):c.225G>A (p.Gly75=)

Gene: SETD1B (SET domain containing 1B, histone lysine methyltransferase; plus strand). Cytogenetic location: 12q24.31.
Variant type: single nucleotide variant.
Coding change: c.225G>A on transcript NM_001353345.2 (MANE Select); coding-DNA position 225, G replaced by A.
Protein change: p.Gly75=; no amino-acid change (glycine 75 retained).
Molecular consequence: synonymous variant.
Genome position (GRCh38, 1-based): chr12:121,805,168, G>A. VCF-style: chr12-121805168-G-A. GRCh37 (hg19) VCF-style: chr12-122243074-G-A.
Other names: NM_015048.1:c.225G>A.
Identifiers: ClinVar variation 2643417 (VCV002643417.26), dbSNP rs370308024, ClinGen allele CA6838751.
Genomic context (GRCh38, chr12:121,805,168, plus strand): 5'-CTCCCCACAGATGTCCAGCAACCGCCCGGTGGAAATTGTCGAAGATCCCCGGGTCGTCGG[G>A]ATCTGGACCAAAAACAAGGAGCTGGAGCTGTCGGTGCCCAAATTCAAGGTAGGACCCCTC-3'
Protein context (NP_001340274.1, residues 65-85): VEIVEDPRVV[Gly75=]IWTKNKELEL

ClinVar aggregate classification (germline): Likely benign. Review status: criteria provided, multiple submitters, no conflicts (2 of 4 stars). 3 submissions from 3 submitters: Likely benign (2). 1 of the submissions does not count toward it. Last evaluated 2026-09-01.

Conditions:
SETD1B-related disorder. Also called: SETD1B-related condition.

Allele frequency attached by ClinVar (database versions not stated): 1000 Genomes Project 30x 0.00062; ESP Exome Variant Server 0.00131; ExAC 0.00051; 1000 Genomes Project 0.00060.
gnomAD v4.1: 544 of 1,551,584 alleles (0.035%); highest among the groups gnomAD compares: Middle Eastern, 0.3%; no homozygotes.

Submissions (3):

CeGaT Center for Human Genetics Tuebingen
Classification: Likely benign. Last evaluated: 2026-09-01. Review status: criteria provided, single submitter. Criteria: CeGaT Center For Human Genetics Tuebingen Variant Classification Criteria Version 2. Collection method: clinical testing. Allele origin: germline. Affected: yes. Observed: 5 variant alleles.
Comment: SETD1B: BP4, BP7

Blueprint Genetics
Classification: Likely benign. Last evaluated: 2024-11-27. Review status: criteria provided, single submitter. Criteria: ACMG Guidelines, 2015. Collection method: clinical testing. Allele origin: germline.

PreventionGenetics, part of Exact Sciences
Classification: Likely benign for SETD1B-related condition. Last evaluated: 2019-12-16. Review status: no assertion criteria provided. Collection method: clinical testing. Allele origin: germline. Not counted in ClinVar's aggregate classification.
Comment: This variant is classified as likely benign based on ACMG/AMP sequence variant interpretation guidelines (Richards et al. 2015 PMID: 25741868, with internal and published modifications).